The following is an entry in ClinVar:

NM_020949.3(SLC7A14):c.2232T>G (p.Ser744Arg)

Gene: SLC7A14 (solute carrier family 7 member 14; minus strand). Cytogenetic location: 3q26.2.
Variant type: single nucleotide variant.
Coding change: c.2232T>G on transcript NM_020949.3 (MANE Select); coding-DNA position 2232, T replaced by G.
Protein change: p.Ser744Arg; replaces serine 744 with arginine.
Molecular consequence: missense variant.
Genome position (GRCh38, 1-based): chr3:170,467,139, A>C on the plus strand (T>G on the coding strand, the complement: SLC7A14 is on the minus strand). VCF-style: chr3-170467139-A-C. GRCh37 (hg19) VCF-style: chr3-170184927-A-C.
Other names: short protein forms S744R.
Identifiers: ClinVar variation 1897085 (VCV001897085.5), dbSNP rs748182372, ClinGen allele CA2701474.
Genomic context (GRCh38, chr3:170,467,139, plus strand): 5'-ATCATTTGCAATCAGGGCCTCTGAGTTCTGTTTGTGTTTGCTTTTGCTCTTCGCTTTGCT[A>C]CTTGTCCGGCCGTTTGCCTTCGCATCTGACATCTGTTGGTAATAGAAGCCTTTGTCTTCA-3'
Protein context (NP_066000.2, residues 734-754): MSDAKANGRT[Ser744Arg]SKAKSKSKHK

ClinVar aggregate classification (germline): Uncertain significance (1 of 4 stars; one submission).

gnomAD v4.1: 8 of 1,614,186 alleles (0.0005%); highest among the groups gnomAD compares: Admixed American, 0.012%; no homozygotes.

Submission:

Labcorp Genetics (formerly Invitae), Labcorp
Classification: Uncertain significance. Last evaluated: 2022-10-26. Review status: criteria provided, single submitter. Criteria: Invitae Variant Classification Sherloc (09022015). Collection method: clinical testing. Allele origin: germline.
Comment: This sequence change replaces serine, which is neutral and polar, with arginine, which is basic and polar, at codon 744 of the SLC7A14 protein (p.Ser744Arg). This variant is present in population databases (rs748182372, gnomAD 0.02%). This variant has not been reported in the literature in individuals affected with SLC7A14-related conditions. Algorithms developed to predict the effect of missense changes on protein structure and function are either unavailable or do not agree on the potential impact of this missense change (SIFT: "Deleterious"; PolyPhen-2: "Benign"; Align-GVGD: "Class C0"). In summary, the available evidence is currently insufficient to determine the role of this variant in disease. Therefore, it has been classified as a Variant of Uncertain Significance.